The following is an entry in ClinVar:

ClinVar aggregate classification (germline): Uncertain significance (1 of 4 stars; one submission).

Allele frequency attached by ClinVar (database versions not stated): gnomAD 0.00001; gnomAD exomes 0.00001.
gnomAD v4.1: 11 of 1,578,546 alleles (0.0007%); highest among the groups gnomAD compares: Admixed American, 0.0035%; no homozygotes.

Submission:

Labcorp Genetics (formerly Invitae), Labcorp
Classification: Uncertain significance. Last evaluated: 2025-12-15. Review status: criteria provided, single submitter. Criteria: Invitae Variant Classification Sherloc (09022015). Collection method: clinical testing. Allele origin: germline.
Comment: This sequence change replaces proline, which is neutral and non-polar, with histidine, which is basic and polar, at codon 32 of the UNC119 protein (p.Pro32His). The frequency data for this variant in the population databases is considered unreliable, as metrics indicate poor data quality at this position in the gnomAD database. This variant has not been reported in the literature in individuals affected with UNC119-related conditions. ClinVar contains an entry for this variant (Variation ID: 834131). An algorithm developed to predict the effect of missense changes on protein structure and function (PolyPhen-2) suggests that this variant is likely to be tolerated. In summary, the available evidence is currently insufficient to determine the role of this variant in disease. Therefore, it has been classified as a Variant of Uncertain Significance.

NM_005148.4(UNC119):c.95C>A (p.Pro32His)

Genes: UNC119 (unc-119 lipid binding chaperone; minus strand), LOC130060555 (ATAC-STARR-seq lymphoblastoid silent region 8343; plus strand). Cytogenetic location: 17q11.2.
Variant type: single nucleotide variant.
Coding change: c.95C>A on transcript NM_005148.4 (MANE Select); coding-DNA position 95, C replaced by A.
Protein change: p.Pro32His; replaces proline 32 with histidine.
Molecular consequence: missense variant. On other transcripts: 5 prime UTR variant (1).
Genome position (GRCh38, 1-based): chr17:28,552,463, G>T on the plus strand (C>A on the coding strand, the complement: UNC119 is on the minus strand). VCF-style: chr17-28552463-G-T. GRCh37 (hg19) VCF-style: chr17-26879481-G-T.
Other names: c.-219C>A (NM_001330166.2); c.95C>A, p.Pro32His (NM_054035.2); short protein forms P32H.
Identifiers: ClinVar variation 834131 (VCV000834131.7), dbSNP rs959835728, ClinGen allele CA289107319.
Genomic context (GRCh38, chr17:28,552,463, plus strand): 5'-CCCGGCCTGGGCCCTGGGCCTGCGTCCGGCTCCGACTCGGACCCAGATTCGGATTCCGCA[G>T]GCGGCTGTGGTATGGGGGCCACGCTCTGGCCCGAGGGCCCCGGAGCGGACTCCGTCGCCG-3'
Protein context (NP_005139.1, residues 22-42): GQSVAPIPQP[Pro32His]AESESGSESE